The following is an entry in ClinVar:

ClinVar aggregate classification (germline): Likely benign (1 of 4 stars; one submission).

Allele frequency attached by ClinVar (database versions not stated): 1000 Genomes Project 30x 0.00141; 1000 Genomes Project 0.00160; ExAC 0.00260; TOPMed 0.00268; ESP Exome Variant Server 0.00292; gnomAD 0.00316; gnomAD exomes 0.00428.
gnomAD v4.1: 6,679 of 1,614,168 alleles (0.41%); highest among the groups gnomAD compares: Non-Finnish European, 0.5%; 25 homozygotes.

Submission:

CeGaT Center for Human Genetics Tuebingen
Classification: Likely benign. Last evaluated: 2022-12-01. Review status: criteria provided, single submitter. Criteria: CeGaT Center For Human Genetics Tuebingen Variant Classification Criteria Version 2. Collection method: clinical testing. Allele origin: germline. Affected: yes. Observed: 1 variant allele.
Comment: NCOA4: BP4, BP7

NM_001145263.2(NCOA4):c.1260G>A (p.Glu420=)

Gene: NCOA4 (nuclear receptor coactivator 4; minus strand). Cytogenetic location: 10q11.22.
Variant type: single nucleotide variant.
Coding change: c.1260G>A on transcript NM_001145263.2 (MANE Select); coding-DNA position 1260, G replaced by A.
Protein change: p.Glu420=; no amino-acid change (glutamic acid 420 retained).
Molecular consequence: synonymous variant.
Genome position (GRCh38, 1-based): chr10:46,010,661, C>T on the plus strand (G>A on the coding strand, the complement: NCOA4 is on the minus strand). VCF-style: chr10-46010661-C-T. GRCh37 (hg19) VCF-style: chr10-51585161-G-A.
Other names: c.1308G>A, p.Glu436= (NM_001145260.2, NM_001145261.2); c.1260G>A, p.Glu420= (NM_001145262.2, NM_005437.4).
Identifiers: ClinVar variation 2640465 (VCV002640465.24), dbSNP rs112613721, ClinGen allele CA5500405.